The following is an entry in ClinVar:

ClinVar aggregate classification (germline): Pathogenic (1 of 4 stars; one submission).

Conditions:
Long QT syndrome (LQTS). Identifiers: MedGen C0023976, MeSH D008133, MONDO:0002442. Disease mechanism: loss of function. Inheritance: Various modes of inheritance.

Submission:

Labcorp Genetics (formerly Invitae), Labcorp
Classification: Pathogenic for Long QT syndrome. Last evaluated: 2025-11-13. Review status: criteria provided, single submitter. Criteria: Invitae Variant Classification Sherloc (09022015). Collection method: clinical testing. Allele origin: germline.
Comment: This sequence change creates a premature translational stop signal (p.Ile31Serfs*29) in the KCNH2 gene. It is expected to result in an absent or disrupted protein product. Loss-of-function variants in KCNH2 are known to be pathogenic (PMID: 10973849, 19862833). This variant is not present in population databases (gnomAD no frequency). This variant has not been reported in the literature in individuals affected with KCNH2-related conditions. For these reasons, this variant has been classified as Pathogenic.

Literature cited by the submitters: PubMed 10973849; PubMed 19862833.

NM_000238.4(KCNH2):c.90del (p.Ile31fs)

Gene: KCNH2 (potassium voltage-gated channel subfamily H member 2; minus strand). Cytogenetic location: 7q36.1.
Variant type: Deletion.
Coding change: c.90del on transcript NM_000238.4 (MANE Select); coding-DNA position 90, one base deleted (C; older notation c.90delC).
Protein change: p.Ile31fs; shifts the reading frame from isoleucine 31.
Molecular consequence: frameshift variant. On other transcripts: 5 prime UTR variant (1), non-coding transcript variant (1).
Genome position (GRCh38, 1-based): chr7:150,974,928, G deleted on the plus strand (C on the coding strand, the reverse complement: KCNH2 is on the minus strand). VCF-style (leftmost placement, unchanged base first): chr7-150974927-TG-T. GRCh37 (hg19) VCF-style: chr7-150672015-TG-T.
Other names: c.-88del (NM_001406755.1); c.90del, p.Ile31fs (NM_172056.3); short protein forms I31fs.
Identifiers: ClinVar variation 4727073 (VCV004727073.1).